The following is an entry in ClinVar:

NM_000283.4(PDE6B):c.2243G>A (p.Arg748Lys)

Gene: PDE6B (phosphodiesterase 6B; plus strand). Cytogenetic location: 4p16.3.
Variant type: single nucleotide variant.
Coding change: c.2243G>A on transcript NM_000283.4 (MANE Select); coding-DNA position 2243, G replaced by A.
Protein change: p.Arg748Lys; replaces arginine 748 with lysine.
Molecular consequence: missense variant.
Genome position (GRCh38, 1-based): chr4:665,304, G>A. VCF-style: chr4-665304-G-A. GRCh37 (hg19) VCF-style: chr4-659093-G-A.
Other names: c.2243G>A, p.Arg748Lys (NM_001145291.2); c.1406G>A, p.Arg469Lys (NM_001145292.2, NM_001350154.3, NM_001379246.1 and 1 more transcripts); c.1088G>A, p.Arg363Lys (NM_001350155.3); short protein forms R363K, R469K, R748K.
Identifiers: ClinVar variation 857815 (VCV000857815.12), dbSNP rs749866009, ClinGen allele CA2794959.

ClinVar aggregate classification (germline): Uncertain significance. Review status: criteria provided, multiple submitters, no conflicts (2 of 4 stars). 2 submissions from 2 submitters: Uncertain significance (2). Last evaluated 2025-06-02.

Conditions:
Inborn genetic diseases. Identifiers: MedGen C0950123, MeSH D030342.

Allele frequency attached by ClinVar (database versions not stated): gnomAD exomes below 0.00001; ExAC 0.00001.
gnomAD v4.1: 1 of 1,612,502 alleles (0.000062%); highest among the groups gnomAD compares: Admixed American, 0.0017%; no homozygotes.

Submissions (2):

Labcorp Genetics (formerly Invitae), Labcorp
Classification: Uncertain significance. Last evaluated: 2025-06-02. Review status: criteria provided, single submitter. Criteria: Invitae Variant Classification Sherloc (09022015). Collection method: clinical testing. Allele origin: germline.
Comment: This sequence change replaces arginine, which is basic and polar, with lysine, which is basic and polar, at codon 748 of the PDE6B protein (p.Arg748Lys). This variant is present in population databases (rs749866009, gnomAD 0.003%). This variant has not been reported in the literature in individuals affected with PDE6B-related conditions. ClinVar contains an entry for this variant (Variation ID: 857815). Invitae Evidence Modeling of protein sequence and biophysical properties (such as structural, functional, and spatial information, amino acid conservation, physicochemical variation, residue mobility, and thermodynamic stability) indicates that this missense variant is not expected to disrupt PDE6B protein function with a negative predictive value of 80%. In summary, the available evidence is currently insufficient to determine the role of this variant in disease. Therefore, it has been classified as a Variant of Uncertain Significance.

Ambry Genetics
Classification: Uncertain significance for Inborn genetic diseases. Last evaluated: 2025-01-26. Review status: criteria provided, single submitter. Criteria: Ambry Variant Classification Scheme 2023. Collection method: clinical testing. Allele origin: germline.